The following is an entry in ClinVar:

ClinVar aggregate classification (germline): Pathogenic. Review status: criteria provided, single submitter (1 of 4 stars). 2 submissions from 2 submitters: Pathogenic (1). 1 of the submissions does not count toward it. Last evaluated 2020-02-14.

Conditions:
Hypothyroidism, congenital, nongoitrous, 7 (CHNG7). Also called: Resistance to thyrotropin-releasing hormone syndrome; Thyrotropin-releasing hormone resistance, generalized. Identifiers: Orphanet 99832, MedGen C1861106, MONDO:0032819, OMIM 618573.

Allele frequency attached by ClinVar (database versions not stated): ExAC 0.00005; TOPMed 0.00001; gnomAD 0.00003; gnomAD exomes 0.00003 and 0.00004.
gnomAD v4.1: 46 of 1,614,114 alleles (0.0028%); highest among the groups gnomAD compares: Middle Eastern, 0.033%; no homozygotes.

Submissions (2):

SIB Swiss Institute of Bioinformatics
Classification: Pathogenic for Hypothyroidism, congenital, nongoitrous, 7. Last evaluated: 2020-02-14. Review status: criteria provided, single submitter. Criteria: ACMG Guidelines, 2015. Collection method: curation. Allele origin: unknown.
Comment: This variant is interpreted as pathogenic for Hypothyroidism, congenital, non-goitrous, 7, autosomal recessive. The following ACMG Tag(s) were applied: PM2, PS3, PP1, PVS1-Strong.

OMIM
Classification: Pathogenic for HYPOTHYROIDISM, CONGENITAL, NONGOITROUS, 7. Last evaluated: 2009-02-12. Review status: no assertion criteria provided. Collection method: literature only. Allele origin: germline. Not counted in ClinVar's aggregate classification.

Literature cited by the submitters: PubMed 19213692 (cited by SIB Swiss Institute of Bioinformatics and OMIM); PubMed 9141550 (cited by SIB Swiss Institute of Bioinformatics and OMIM).

NM_003301.7(TRHR):c.49C>T (p.Arg17Ter)

Gene: TRHR (thyrotropin releasing hormone receptor; plus strand). Cytogenetic location: 8q23.1.
Variant type: single nucleotide variant.
Coding change: c.49C>T on transcript NM_003301.7 (MANE Select); coding-DNA position 49, C replaced by T.
Protein change: p.Arg17Ter; replaces arginine 17 with a stop codon.
Molecular consequence: nonsense.
Genome position (GRCh38, 1-based): chr8:109,087,561, C>T. VCF-style: chr8-109087561-C-T. GRCh37 (hg19) VCF-style: chr8-110099790-C-T.
Other names: short protein forms R17*.
Identifiers: ClinVar variation 12682 (VCV000012682.3), dbSNP rs121917847, ClinGen allele CA122625.